The following is an entry in ClinVar:

ClinVar aggregate classification (germline): Conflicting classifications of pathogenicity. Review status: criteria provided, conflicting classifications (1 of 4 stars). 9 submissions from 9 submitters: Pathogenic (3); Likely pathogenic (4); Uncertain significance (2). Last evaluated 2025-12-13.

Conditions:
PLA2G6-associated neurodegeneration (PLAN). Also called: phospholipase A2-associated neurodegeneration. Identifiers: Orphanet 329303, MedGen CN204472, MONDO:0017998.
PLA2G6-related disorder. Also called: PLA2G6-related condition.
Inborn genetic diseases. Identifiers: MedGen C0950123, MeSH D030342.
Autosomal recessive Parkinson disease 14. Also called: DYSTONIA-PARKINSONISM, ADULT-ONSET; PARKINSON DISEASE 14. Identifiers: Orphanet 199351, MedGen C2751842, MONDO:0013060, OMIM 612953.
Infantile neuroaxonal dystrophy (NBIA2A). Also called: Infantile neuroaxonal dystrophy 1; NEURODEGENERATION WITH BRAIN IRON ACCUMULATION 2A; SEITELBERGER DISEASE. Identifiers: Orphanet 35069, MedGen C0270724, MONDO:0024457, OMIM 256600.
Neurodegeneration with brain iron accumulation 2B. Also called: aNAD; atypical Neuroaxonal Dystrophy (aNAD); NEUROAXONAL DYSTROPHY, ATYPICAL; NEURODEGENERATION WITH BRAIN IRON ACCUMULATION, PLA2G6-RELATED. Identifiers: Orphanet 35069, MedGen C1857747, MONDO:0012444, OMIM 610217.
Iron accumulation in brain. Identifiers: MedGen C4021076, HP:0012675.

Allele frequency attached by ClinVar (database versions not stated): gnomAD 0.00002; gnomAD exomes 0.00004 and 0.00001; TOPMed 0.00001.
gnomAD v4.1: 57 of 1,552,372 alleles (0.0037%); highest among the groups gnomAD compares: Non-Finnish European, 0.0047%; no homozygotes.

Submissions (9):

GeneDx
Classification: Pathogenic. Last evaluated: 2025-12-13. Review status: criteria provided, single submitter. Criteria: GeneDx Variant Classification Process June 2021. Collection method: clinical testing. Allele origin: germline. Affected: yes.
Comment: Not observed at significant frequency in large population cohorts (gnomAD); In silico analysis supports that this missense variant has a deleterious effect on protein structure/function; This variant is associated with the following publications: (PMID: 16783378, 30120687, 18799783)

Labcorp Genetics (formerly Invitae), Labcorp
Classification: Pathogenic for Infantile neuroaxonal dystrophy. Last evaluated: 2025-01-28. Review status: criteria provided, single submitter. Criteria: Invitae Variant Classification Sherloc (09022015). Collection method: clinical testing. Allele origin: germline.
Comment: This sequence change replaces aspartic acid, which is acidic and polar, with histidine, which is basic and polar, at codon 739 of the PLA2G6 protein (p.Asp739His). This variant is present in population databases (rs587784349, gnomAD 0.006%). This missense change has been observed in individual(s) with clinical features of PLA2G6-related conditions (PMID: 16783378; internal data). In at least one individual the data is consistent with being in trans (on the opposite chromosome) from a pathogenic variant. ClinVar contains an entry for this variant (Variation ID: 159761). Invitae Evidence Modeling of protein sequence and biophysical properties (such as structural, functional, and spatial information, amino acid conservation, physicochemical variation, residue mobility, and thermodynamic stability) indicates that this missense variant is expected to disrupt PLA2G6 protein function with a positive predictive value of 80%. For these reasons, this variant has been classified as Pathogenic.

Fulgent Genetics
Classification: Likely pathogenic for Infantile neuroaxonal dystrophy; Neurodegeneration with brain iron accumulation 2B; Autosomal recessive Parkinson disease 14. Last evaluated: 2024-02-02. Review status: criteria provided, single submitter. Criteria: ACMG Guidelines, 2015. Collection method: clinical testing. Allele origin: germline.

Mayo Clinic Laboratories, Mayo Clinic
Classification: Likely pathogenic. Last evaluated: 2024-01-10. Review status: criteria provided, single submitter. Criteria: ACMG Guidelines, 2015. Collection method: clinical testing. Allele origin: germline. Observed: 1 variant allele.
Comment: PP3, PM2_moderate, PM3_supporting, PS4_moderate

Broad Center for Mendelian Genomics, Broad Institute of MIT and Harvard
Classification: Uncertain significance for PLA2G6-associated neurodegeneration. Last evaluated: 2023-01-24. Review status: criteria provided, single submitter. Criteria: ACMG Guidelines, 2015. Collection method: curation. Allele origin: germline. Inheritance: Autosomal recessive inheritance.
Comment: The p.Asp739His variant in PLA2G6 has been reported in 2 individuals with PLA2G6-associated neurodegeneration (PMID: 30120687, 18799783), segregated with disease in 1 affected relative from 1 family (PMID: 18799783), and has been identified in 0.006% (1/17170) of African/African American chromosomes by the Genome Aggregation Database (gnomAD; dbSNP ID: rs587784349). Although this variant has been seen in the general population in a heterozygous state, its frequency is low enough to be consistent with a recessive carrier frequency. This variant has also been reported in ClinVar (Variation ID#: 159761) and has been interpreted as a variant of uncertain significance by Illumina Laboratory Services and Invitae, and pathogenic by GeneDx and Genetic Services Laboratory (University of Chicago). Of the 2 affected individuals, 1 of those was a homozygote, which increases the likelihood that the p.Asp739His variant is pathogenic (PMID: 30120687). Computational prediction tools and conservation analyses suggest that this variant may impact the protein, though this information is not predictive enough to determine pathogenicity. In summary, the clinical significance of the p.Asp739His variant is uncertain. ACMG/AMP Criteria applied: PM2_supporting, PP3, PM3_supporting (Richards 2015).

Ambry Genetics
Classification: Uncertain significance for Inborn genetic diseases. Last evaluated: 2022-06-13. Review status: criteria provided, single submitter. Criteria: Ambry Variant Classification Scheme 2023. Collection method: clinical testing. Allele origin: germline.

AiLife Diagnostics
Classification: Likely pathogenic. Last evaluated: 2022-03-14. Review status: criteria provided, single submitter. Criteria: ACMG Guidelines, 2015. Collection method: clinical testing. Allele origin: germline. Affected: yes. Observed: 1 variant allele.

Blueprint Genetics
Classification: Likely pathogenic for PLA2G6-related disorders. Last evaluated: 2021-04-30. Review status: criteria provided, single submitter. Criteria: ACMG Guidelines, 2015. Collection method: clinical testing. Allele origin: germline. Affected: yes. Observed: 1 variant allele.

Genetic Services Laboratory, University of Chicago
Classification: Pathogenic for iron accumulation in brain. Last evaluated: 2013-02-08. Review status: criteria provided, single submitter. Criteria: ACMG Guidelines, 2007. Collection method: clinical testing. Allele origin: germline. Inheritance: Autosomal recessive inheritance. Affected: yes.

Literature cited by the submitters: PubMed 16783378 (cited by 4 submitters); PubMed 18799783 (cited by Mayo Clinic Laboratories, Mayo Clinic); PubMed 30120687 (cited by Mayo Clinic Laboratories, Mayo Clinic and Ambry Genetics).

NM_003560.4(PLA2G6):c.2215G>C (p.Asp739His)

Gene: PLA2G6 (phospholipase A2 group VI; minus strand). Cytogenetic location: 22q13.1.
Variant type: single nucleotide variant.
Coding change: c.2215G>C on transcript NM_003560.4 (MANE Select); coding-DNA position 2215, G replaced by C.
Protein change: p.Asp739His; replaces aspartic acid 739 with histidine.
Molecular consequence: missense variant.
Genome position (GRCh38, 1-based): chr22:38,112,565, C>G on the plus strand (G>C on the coding strand, the complement: PLA2G6 is on the minus strand). VCF-style: chr22-38112565-C-G. GRCh37 (hg19) VCF-style: chr22-38508572-C-G.
Other names: NM_003560.4(PLA2G6):c.2215G>C; p.Asp739His; c.2053G>C, p.Asp685His (NM_001004426.3, NM_001199562.3, NM_001349865.2 and 1 more transcripts); c.2215G>C, p.Asp739His (NM_001349864.2); c.1681G>C, p.Asp561His (NM_001349867.2); c.1537G>C, p.Asp513His (NM_001349868.2); c.1519G>C, p.Asp507His (NM_001349869.2); short protein forms D739H, D513H, D685H, D507H, D561H.
Identifiers: ClinVar variation 159761 (VCV000159761.25), dbSNP rs587784349, ClinGen allele CA173256.